The following is an entry in ClinVar:

NM_003072.5(SMARCA4):c.1775C>G (p.Ala592Gly)

Gene: SMARCA4 (SWI/SNF related BAF chromatin remodeling complex subunit ATPase 4; plus strand). Cytogenetic location: 19p13.2.
Variant type: single nucleotide variant.
Coding change: c.1775C>G on transcript NM_003072.5 (MANE Select); coding-DNA position 1775, C replaced by G.
Protein change: p.Ala592Gly; replaces alanine 592 with glycine.
Molecular consequence: missense variant. On other transcripts: non-coding transcript variant (1).
Genome position (GRCh38, 1-based): chr19:10,996,507, C>G. VCF-style: chr19-10996507-C-G. GRCh37 (hg19) VCF-style: chr19-11107183-C-G.
Other names: c.1775C>G, p.Ala592Gly (NM_001128844.3, NM_001128845.2, NM_001128846.2 and 5 more transcripts); short protein forms A592G.
Identifiers: ClinVar variation 408612 (VCV000408612.8), dbSNP rs1060502064, ClinGen allele CA16615945.
Genomic context (GRCh38, chr19:10,996,507, plus strand): 5'-CTCAGCCTTGTGGGTCAGGGCCTGACCGTGTCTCTCTCTATTTCCAGAAGGCAGAAAATG[C>G]AGAAGGACAGACGCCTGCCATTGGGCCGGATGGCGAGGTGAGGAAGCAGGGTTTCTTGTG-3'
Protein context (NP_003063.2, residues 582-602): KKKKKKKAEN[Ala592Gly]EGQTPAIGPD

ClinVar aggregate classification (germline): Conflicting classifications of pathogenicity. Review status: criteria provided, conflicting classifications (1 of 4 stars). 2 submissions from 2 submitters: Uncertain significance (1); Likely benign (1). Last evaluated 2025-08-05.

Conditions:
Hereditary cancer-predisposing syndrome. Also called: Hereditary Cancer Syndrome; Hereditary neoplastic syndrome; Neoplastic Syndromes, Hereditary; Tumor predisposition. Identifiers: Orphanet 140162, MedGen C0027672, MeSH D009386, MONDO:0015356.
Rhabdoid tumor predisposition syndrome 2 (RTPS2). Identifiers: Orphanet 231108, Orphanet 69077, MedGen C2750074, MONDO:0013224, OMIM 613325.

gnomAD v4.1: 2 of 1,614,204 alleles (0.00012%); highest among the groups gnomAD compares: African/African-American, 0.0013%; no homozygotes.

Submissions (2):

Ambry Genetics
Classification: Likely benign for Hereditary cancer-predisposing syndrome. Last evaluated: 2025-08-05. Review status: criteria provided, single submitter. Criteria: Ambry Variant Classification Scheme 2023. Collection method: clinical testing. Allele origin: germline.

Labcorp Genetics (formerly Invitae), Labcorp
Classification: Uncertain significance for Rhabdoid tumor predisposition syndrome 2. Last evaluated: 2021-10-20. Review status: criteria provided, single submitter. Criteria: Invitae Variant Classification Sherloc (09022015). Collection method: clinical testing. Allele origin: germline.
Comment: This sequence change replaces alanine with glycine at codon 592 of the SMARCA4 protein (p.Ala592Gly). The alanine residue is highly conserved and there is a small physicochemical difference between alanine and glycine. This variant is not present in population databases (ExAC no frequency). In summary, the available evidence is currently insufficient to determine the role of this variant in disease. Therefore, it has been classified as a Variant of Uncertain Significance. Algorithms developed to predict the effect of missense changes on protein structure and function output the following: SIFT: "Deleterious"; PolyPhen-2: "Benign"; Align-GVGD: "Class C0". The glycine amino acid residue is found in multiple mammalian species, which suggests that this missense change does not adversely affect protein function. This variant has not been reported in the literature in individuals affected with SMARCA4-related conditions.